The following is an entry in ClinVar:

ClinVar aggregate classification (germline): Uncertain significance (1 of 4 stars; one submission).

Conditions:
Combined immunodeficiency due to LRBA deficiency. Also called: Common variable immunodeficiency 8, with autoimmunity. Identifiers: Orphanet 445018, MedGen C3553512, MONDO:0013863, OMIM 614700.

gnomAD v4.1: 8 of 1,587,618 alleles (0.0005%); highest among the groups gnomAD compares: South Asian, 0.0094%; no homozygotes.

Submission:

OLLIN Analises Genomicas, OLLIN
Classification: Uncertain significance for Combined immunodeficiency due to LRBA deficiency. Last evaluated: 2026-08-06. Review status: criteria provided, single submitter. Criteria: ACMG Guidelines 2015 PMID 25741868. Collection method: clinical testing. Allele origin: germline.
Comment: This missense variant, located in exon 23 (of 57), has been observed in gnomAD with an allele frequency of 0.000504%, but has not been reported in ClinVar or identified in the literature. In silico analysis predicts that this variant has a tolerated effect. According to the currently available evidence, this variant has been classified as uncertain significance (PM2_P, BP4_M).

NM_001364905.1(LRBA):c.2800A>G (p.Asn934Asp)

Gene: LRBA (LPS responsive beige-like anchor protein; minus strand). Cytogenetic location: 4q31.3.
Variant type: single nucleotide variant.
Coding change: c.2800A>G on transcript NM_001364905.1 (MANE Select); coding-DNA position 2800, A replaced by G.
Protein change: p.Asn934Asp; replaces asparagine 934 with aspartic acid.
Molecular consequence: missense variant.
Genome position (GRCh38, 1-based): chr4:150,852,910, T>C on the plus strand (A>G on the coding strand, the complement: LRBA is on the minus strand). VCF-style: chr4-150852910-T-C. GRCh37 (hg19) VCF-style: chr4-151774062-T-C.
Other names: c.2800A>G, p.Asn934Asp (NM_001199282.3, NM_001367550.1, NM_001440430.1 and 2 more transcripts); short protein forms N934D.
Identifiers: ClinVar variation 5002815 (VCV005002815.1).
Genomic context (GRCh38, chr4:150,852,910, plus strand): 5'-AAGTTGAAGAACACAGCCCTATTTCTTCATCAACTTTTCCTTGCTGTTCCCTAAATATAT[T>C]GGCAAGGTTTTCTTTGTGTATTTCAAAAGTGACCTAGGTGAAAAATGTACAATCAGTTAA-3'
Protein context (NP_001351834.1, residues 924-944): TFEIHKENLA[Asn934Asp]IFREQQGKVD